The following is an entry in ClinVar:

ClinVar aggregate classification (germline): Uncertain significance (0 of 4 stars; one submission).

Conditions:
PKD1-related disorder. Also called: PKD1-related condition.

gnomAD v4.1: 1 of 1,603,132 alleles (0.000062%); highest among the groups gnomAD compares: Non-Finnish European, 0.000085%; no homozygotes.

Submission:

PreventionGenetics, part of Exact Sciences
Classification: Uncertain significance for PKD1-related condition. Last evaluated: 2024-07-30. Review status: no assertion criteria provided. Collection method: clinical testing. Allele origin: germline.
Comment: The PKD1 c.11278C>T variant is predicted to result in the amino acid substitution p.Pro3760Ser. To our knowledge, this variant has not been reported in the literature or in a large population database, indicating this variant is rare. At this time, the clinical significance of this variant is uncertain due to the absence of conclusive functional and genetic evidence.

NM_001009944.3(PKD1):c.11278C>T (p.Pro3760Ser)

Genes: PKD1 (polycystin 1, transient receptor potential channel interacting; minus strand), PKD1-AS1 (PKD1 antisense RNA 1; plus strand). Cytogenetic location: 16p13.3.
Variant type: single nucleotide variant.
Coding change: c.11278C>T on transcript NM_001009944.3 (MANE Select); coding-DNA position 11278, C replaced by T.
Protein change: p.Pro3760Ser; replaces proline 3760 with serine.
Molecular consequence: missense variant.
Genome position (GRCh38, 1-based): chr16:2,092,180, G>A on the plus strand (C>T on the coding strand, the complement: PKD1 is on the minus strand). VCF-style: chr16-2092180-G-A. GRCh37 (hg19) VCF-style: chr16-2142181-G-A.
Other names: c.11275C>T, p.Pro3759Ser (NM_000296.4); short protein forms P3759S, P3760S.
Identifiers: ClinVar variation 3356334 (VCV003356334.1).